The following is an entry in ClinVar:

ClinVar aggregate classification (germline): Uncertain significance (1 of 4 stars; one submission).

Allele frequency attached by ClinVar (database versions not stated): gnomAD exomes below 0.00001.
gnomAD v4.1: 1 of 1,612,834 alleles (0.000062%); highest among the groups gnomAD compares: Non-Finnish European, 0.000085%; no homozygotes.

Submission:

Labcorp Genetics (formerly Invitae), Labcorp
Classification: Uncertain significance. Last evaluated: 2021-08-18. Review status: criteria provided, single submitter. Criteria: Invitae Variant Classification Sherloc (09022015). Collection method: clinical testing. Allele origin: germline.
Comment: This sequence change replaces aspartic acid with valine at codon 584 of the PDE6B protein (p.Asp584Val). The aspartic acid residue is highly conserved and there is a large physicochemical difference between aspartic acid and valine. This variant is not present in population databases (ExAC no frequency). This variant has not been reported in the literature in individuals affected with PDE6B-related conditions. Algorithms developed to predict the effect of missense changes on protein structure and function are either unavailable or do not agree on the potential impact of this missense change (SIFT: "Deleterious"; PolyPhen-2: "Probably Damaging"; Align-GVGD: "Class C0"). In summary, the available evidence is currently insufficient to determine the role of this variant in disease. Therefore, it has been classified as a Variant of Uncertain Significance.

NM_000283.4(PDE6B):c.1751A>T (p.Asp584Val)

Gene: PDE6B (phosphodiesterase 6B; plus strand). Cytogenetic location: 4p16.3.
Variant type: single nucleotide variant.
Coding change: c.1751A>T on transcript NM_000283.4 (MANE Select); coding-DNA position 1751, A replaced by T.
Protein change: p.Asp584Val; replaces aspartic acid 584 with valine.
Molecular consequence: missense variant.
Genome position (GRCh38, 1-based): chr4:662,537, A>T. VCF-style: chr4-662537-A-T. GRCh37 (hg19) VCF-style: chr4-656326-A-T.
Other names: c.1751A>T, p.Asp584Val (NM_001145291.2); c.914A>T, p.Asp305Val (NM_001145292.2, NM_001350154.3, NM_001379246.1 and 1 more transcripts); c.596A>T, p.Asp199Val (NM_001350155.3); short protein forms D199V, D305V, D584V.
Identifiers: ClinVar variation 1375968 (VCV001375968.6), dbSNP rs2109255194, ClinGen allele CA355917314.